The following is an entry in ClinVar:

ClinVar aggregate classification (germline): Uncertain significance. Review status: criteria provided, multiple submitters, no conflicts (2 of 4 stars). 4 submissions from 4 submitters: Uncertain significance (4). Last evaluated 2025-02-18.

Conditions:
Familial thoracic aortic aneurysm and aortic dissection (TAAD). Also called: Thoracic aortic aneurysms and dissections. Identifiers: Orphanet 91387, MedGen C4707243, MONDO:0019625.

Allele frequency attached by ClinVar (database versions not stated): gnomAD exomes 0.00001 and 0.00002; TOPMed 0.00002; ExAC 0.00005.
gnomAD v4.1: 18 of 1,591,446 alleles (0.0011%); highest among the groups gnomAD compares: Admixed American, 0.0052%; no homozygotes.

Submissions (4):

Color Diagnostics, LLC DBA Color Health
Classification: Uncertain significance for Familial thoracic aortic aneurysm and aortic dissection. Last evaluated: 2025-02-18. Review status: criteria provided, single submitter. Criteria: ACMG Guidelines, 2015. Collection method: clinical testing. Allele origin: germline.
Comment: This variant changes a single nucleotide in the 5' untranslated region of the SMAD3 gene. To our knowledge, functional studies have not been reported for this variant. This variant has been reported in an individual affected with nonsyndromic heritable thoracic aortic aneurysms and dissections (PMID: 30739908). This variant has been identified in 4/212458 chromosomes in the general population by the Genome Aggregation Database (gnomAD). The available evidence is insufficient to determine the role of this variant in disease conclusively. Therefore, this variant is classified as a Variant of Uncertain Significance.

Ambry Genetics
Classification: Uncertain significance for Familial thoracic aortic aneurysm and aortic dissection. Last evaluated: 2022-03-28. Review status: criteria provided, single submitter. Criteria: Ambry Variant Classification Scheme 2023. Collection method: clinical testing. Allele origin: germline.
Comment: The c.-1C>T variant is located in the 5' untranslated region (5&rsquo; UTR) of the SMAD3 gene. This variant results from a C to T substitution 1 nucleotide upstream from the first translated codon. This variant was reported in a thoracic aortic aneurysm and dissection (TAAD) cohort; however, clinical details were limited (Arnaud P et al. Genet Med, 2019 09;21:2015-2024). Based on nucleotide sequence alignment, this position is well conserved in available vertebrate species. Since supporting evidence is limited at this time, the clinical significance of this alteration remains unclear.

CHEO Genetics Diagnostic Laboratory, Children's Hospital of Eastern Ontario
Classification: Uncertain significance for Familial thoracic aortic aneurysm and aortic dissection. Last evaluated: 2021-02-09. Review status: criteria provided, single submitter. Criteria: ACMG Guidelines, 2015. Collection method: clinical testing. Allele origin: germline.

Eurofins Ntd Llc (ga)
Classification: Uncertain significance. Last evaluated: 2015-10-15. Review status: criteria provided, single submitter. Criteria: EGL Classification Definitions 2015. Collection method: clinical testing. Allele origin: germline. Observed: 1 variant allele, 1 heterozygote.

Literature cited by the submitters: PubMed 30739908 (cited by Color Diagnostics, LLC DBA Color Health and Ambry Genetics).

NM_005902.4(SMAD3):c.-1C>T

Genes: SMAD3 (SMAD family member 3; plus strand), LOC130057352 (ATAC-STARR-seq lymphoblastoid silent region 6574; plus strand). Cytogenetic location: 15q22.33.
Variant type: single nucleotide variant.
Coding change: c.-1C>T on transcript NM_005902.4 (MANE Select); 1 bases upstream of the start codon, C replaced by T.
Molecular consequence: 5 prime UTR variant.
Genome position (GRCh38, 1-based): chr15:67,066,154, C>T. VCF-style: chr15-67066154-C-T. GRCh37 (hg19) VCF-style: chr15-67358492-C-T.
Other names: c.-1C>T (NM_001407011.1, NM_001407012.1, NM_001407013.1).
Identifiers: ClinVar variation 283793 (VCV000283793.14), dbSNP rs770457783, ClinGen allele CA061801.
Genomic context (GRCh38, chr15:67,066,154, plus strand): 5'-CGTCCCGTCGAGCCCAGCCCCGCCGGGGGCGCTCCTCGCCGCCCGCGCGCCCTCCCCAGC[C>T]ATGTCGTCCATCCTGCCTTTCACTCCCCCGATCGTGAAGCGCCTGCTGGGCTGGAAGAAG-3'